The following is an entry in ClinVar:

NM_024989.4(PGAP1):c.1397A>G (p.Gln466Arg)

Gene: PGAP1 (post-GPI attachment to proteins inositol deacylase 1; minus strand). Cytogenetic location: 2q33.1.
Variant type: single nucleotide variant.
Coding change: c.1397A>G on transcript NM_024989.4 (MANE Select); coding-DNA position 1397, A replaced by G.
Protein change: p.Gln466Arg; replaces glutamine 466 with arginine.
Molecular consequence: missense variant.
Genome position (GRCh38, 1-based): chr2:196,875,775, T>C on the plus strand (A>G on the coding strand, the complement: PGAP1 is on the minus strand). VCF-style: chr2-196875775-T-C. GRCh37 (hg19) VCF-style: chr2-197740499-T-C.
Other names: c.875A>G, p.Gln292Arg (NM_001321099.2); c.230A>G, p.Gln77Arg (NM_001321100.2); short protein forms Q77R, Q292R, Q466R.
Identifiers: ClinVar variation 1965185 (VCV001965185.5), dbSNP rs2468626096, ClinGen allele CA350172332.

ClinVar aggregate classification (germline): Uncertain significance (1 of 4 stars; one submission).

Conditions:
Intellectual disability, autosomal recessive 42 (NEDDSBA). Also called: Neurodevelopmental disorder with dysmorphic features, spasticity, and brain abnormalities; GLYCOSYLPHOSPHATIDYLINOSITOL BIOSYNTHESIS DEFECT 9. Identifiers: Orphanet 88616, MedGen C4014343, MONDO:0014348, OMIM 615802.

Submission:

Labcorp Genetics (formerly Invitae), Labcorp
Classification: Uncertain significance for Intellectual disability, autosomal recessive 42. Last evaluated: 2022-08-09. Review status: criteria provided, single submitter. Criteria: Invitae Variant Classification Sherloc (09022015). Collection method: clinical testing. Allele origin: germline.
Comment: In summary, the available evidence is currently insufficient to determine the role of this variant in disease. Therefore, it has been classified as a Variant of Uncertain Significance. Algorithms developed to predict the effect of missense changes on protein structure and function (SIFT, PolyPhen-2, Align-GVGD) all suggest that this variant is likely to be tolerated. This variant has not been reported in the literature in individuals affected with PGAP1-related conditions. This variant is not present in population databases (gnomAD no frequency). This sequence change replaces glutamine, which is neutral and polar, with arginine, which is basic and polar, at codon 466 of the PGAP1 protein (p.Gln466Arg).